The following is an entry in ClinVar:

NM_000127.3(EXT1):c.642_675del (p.Met215fs)

Gene: EXT1 (exostosin glycosyltransferase 1; minus strand). Cytogenetic location: 8q24.11.
Variant type: Deletion.
Coding change: c.642_675del on transcript NM_000127.3 (MANE Select); coding-DNA positions 642 to 675, 34 bases deleted.
Protein change: p.Met215fs; shifts the reading frame from methionine 215.
Molecular consequence: frameshift variant.
Genome position (GRCh38, 1-based): chr8:118,110,372-118,110,405, 34 bases deleted; deleting any 34 consecutive bases within chr8:118,110,372-118,110,406 gives the same sequence; the c. name uses the placement nearest the transcript's 3' end. GRCh37 (hg19): chr8:119,122,612-119,122,645.
Other names: c.642_675delGATGCTGGCCAAAGCCAGCATCAGTACTGAAAAC (NM_000127.2); short protein forms M215fs.
Identifiers: ClinVar variation 659760 (VCV000659760.6), dbSNP rs1586279535, ClinGen allele CA915948672.

ClinVar aggregate classification (germline): Pathogenic (1 of 4 stars; one submission).

Conditions:
Multiple congenital exostosis (EXT). Also called: Hereditary multiple exostoses; Hereditary multiple exostosis; Hereditary multiple osteochondromas; MULTIPLE CARTILAGINOUS EXOSTOSES; Multiple exostoses; Multiple osteochondromas. Identifiers: Orphanet 321, MedGen C0015306, MONDO:0005508, HP:0002762.

Submission:

Labcorp Genetics (formerly Invitae), Labcorp
Classification: Pathogenic for Multiple congenital exostosis. Last evaluated: 2018-09-13. Review status: criteria provided, single submitter. Criteria: Invitae Variant Classification Sherloc (09022015). Collection method: clinical testing. Allele origin: germline.
Comment: For these reasons, this variant has been classified as Pathogenic. Loss-of-function variants in EXT1 are known to be pathogenic (PMID: 10679937, 11391482, 19810120). This variant has not been reported in the literature in individuals with EXT1-related disease. This variant is not present in population databases (ExAC no frequency). This sequence change creates a premature translational stop signal (p.Met215Serfs*26) in the EXT1 gene. It is expected to result in an absent or disrupted protein product.

Literature cited by the submitters: PubMed 10679937; PubMed 11391482; PubMed 19810120.